The following is an entry in ClinVar:

ClinVar aggregate classification (germline): Likely pathogenic (1 of 4 stars; one submission).

Submission:

GeneDx
Classification: Likely pathogenic. Last evaluated: 2024-01-22. Review status: criteria provided, single submitter. Criteria: GeneDx Variant Classification Process June 2021. Collection method: clinical testing. Allele origin: germline. Affected: yes.
Comment: Nonsense variant predicted to result in protein truncation or nonsense mediated decay in a gene for which loss of function is a known mechanism of disease; Not observed at significant frequency in large population cohorts (gnomAD); Has not been previously published as pathogenic or benign to our knowledge; This variant is associated with the following publications: (PMID: 18199528)

NM_000038.6(APC):c.6419C>A (p.Ser2140Ter)

Gene: APC (APC regulator of WNT signaling pathway; plus strand). Cytogenetic location: 5q22.2.
Variant type: single nucleotide variant.
Coding change: c.6419C>A on transcript NM_000038.6 (MANE Select); coding-DNA position 6419, C replaced by A.
Protein change: p.Ser2140Ter; replaces serine 2140 with a stop codon.
Molecular consequence: nonsense. On other transcripts: non-coding transcript variant (2).
Genome position (GRCh38, 1-based): chr5:112,842,013, C>A. VCF-style: chr5-112842013-C-A. GRCh37 (hg19) VCF-style: chr5-112177710-C-A.
Other names: c.6419C>A, p.Ser2140Ter (NM_001127510.3, NM_001354895.2, NM_001407450.1); c.6365C>A, p.Ser2122Ter (NM_001127511.3); c.6473C>A, p.Ser2158Ter (NM_001354896.2, NM_001407447.1, NM_001407448.1 and 1 more transcripts); c.6449C>A, p.Ser2150Ter (NM_001354897.2); c.6344C>A, p.Ser2115Ter (NM_001354898.2); c.6335C>A, p.Ser2112Ter (NM_001354899.2); c.6296C>A, p.Ser2099Ter (NM_001354900.2); c.6242C>A, p.Ser2081Ter (NM_001354901.2, NM_001407453.1); and 11 more; short protein forms S1756*, S1857*, S1980*, S2011*, S2014*, S2039*, S2049*, S2057*.
Identifiers: ClinVar variation 3340193 (VCV003340193.1).